The following is an entry in ClinVar:

ClinVar aggregate classification (germline): Conflicting classifications of pathogenicity. Review status: criteria provided, conflicting classifications (1 of 4 stars). 4 submissions from 4 submitters: Uncertain significance (1); Benign (1); Likely benign (2). Last evaluated 2025-08-29.

Conditions:
Hereditary cancer-predisposing syndrome. Also called: Neoplastic Syndromes, Hereditary; Tumor predisposition; Hereditary Cancer Syndrome; Hereditary neoplastic syndrome. Identifiers: Orphanet 140162, MedGen C0027672, MeSH D009386, MONDO:0015356.
Hereditary breast ovarian cancer syndrome. Also called: BRCA1- and BRCA2-Associated Hereditary Breast and Ovarian Cancer; Hereditary breast and ovarian cancer syndrome; Hereditary breast and ovarian cancer; Hereditary breast and ovarian cancer syndrome (HBOC); Breast and ovarian cancer; Hereditary breast and/or ovarian cancer syndrome. Identifiers: Orphanet 145, MedGen C0677776, MeSH D061325, MONDO:0003582. Disease mechanism: loss of function.
Breast-ovarian cancer, familial, susceptibility to, 4. Identifiers: Orphanet 145, MedGen C3280345, MONDO:0013669, OMIM 614291.

Submissions (4):

Labcorp Genetics (formerly Invitae), Labcorp
Classification: Likely benign for Breast-ovarian cancer, familial, susceptibility to, 4. Last evaluated: 2025-08-29. Review status: criteria provided, single submitter. Criteria: Invitae Variant Classification Sherloc (09022015). Collection method: clinical testing. Allele origin: germline.

Myriad Genetics, Inc.
Classification: Benign for Breast-ovarian cancer, familial, susceptibility to, 4. Last evaluated: 2025-02-20. Review status: criteria provided, single submitter. Criteria: Myriad Autosomal Dominant, Autosomal Recessive and X-Linked Classification Criteria (2023). Collection method: clinical testing. Allele origin: unknown.
Comment: This variant is considered benign. This variant is a silent/synonymous amino acid change and it is not expected to impact splicing.

Department of Pathology and Laboratory Medicine, Sinai Health System
Classification: Uncertain significance for Hereditary breast ovarian cancer syndrome. Last evaluated: 2020-02-26. Review status: criteria provided, single submitter. Criteria: ACMG Guidelines, 2015. Collection method: clinical testing. Allele origin: germline. Affected: yes.

Color Diagnostics, LLC DBA Color Health
Classification: Likely benign for Hereditary cancer-predisposing syndrome. Last evaluated: 2019-08-21. Review status: criteria provided, single submitter. Criteria: ACMG Guidelines, 2015. Collection method: clinical testing. Allele origin: germline.

NM_002878.4(RAD51D):c.141C>T (p.Tyr47=)

Genes: RAD51D (RAD51 paralog D; minus strand), RAD51L3-RFFL (RAD51L3-RFFL readthrough; minus strand). Cytogenetic location: 17q12.
Variant type: single nucleotide variant.
Coding change: c.141C>T on transcript NM_002878.4 (MANE Select); coding-DNA position 141, C replaced by T.
Protein change: p.Tyr47=; no amino-acid change (tyrosine 47 retained).
Molecular consequence: synonymous variant. On other transcripts: non-coding transcript variant (2).
Genome position (GRCh38, 1-based): chr17:35,119,114, G>A on the plus strand (C>T on the coding strand, the complement: RAD51D is on the minus strand). VCF-style: chr17-35119114-G-A. GRCh37 (hg19) VCF-style: chr17-33446133-G-A.
Other names: c.141C>T, p.Tyr47= (NM_001142571.2, NM_133629.3).
Identifiers: ClinVar variation 921676 (VCV000921676.7), dbSNP rs771077929, ClinGen allele CA499732383.